The following is an entry in ClinVar:

NM_014140.4(SMARCAL1):c.837del (p.Phe279fs)

Gene: SMARCAL1 (SNF2 related chromatin remodeling annealing helicase 1; plus strand). Cytogenetic location: 2q35.
Variant type: Deletion.
Coding change: c.837del on transcript NM_014140.4 (MANE Select); coding-DNA position 837, one base deleted (C; older notation c.837delC).
Protein change: p.Phe279fs; shifts the reading frame from phenylalanine 279.
Molecular consequence: frameshift variant.
Genome position (GRCh38, 1-based): chr2:216,416,282, C deleted. VCF-style (leftmost placement, unchanged base first): chr2-216416281-TC-T. GRCh37 (hg19) VCF-style: chr2-217281004-TC-T.
Other names: c.837del, p.Phe279fs (NM_001127207.2); short protein forms F279fs.
Identifiers: ClinVar variation 2830474 (VCV002830474.3), dbSNP rs2469614800, ClinGen allele CA2739278289.

ClinVar aggregate classification (germline): Pathogenic (1 of 4 stars; one submission).

Conditions:
Schimke immuno-osseous dysplasia (SIOD). Also called: Schimke Immunoosseous Dysplasia. Identifiers: Orphanet 1830, MedGen C0877024, MONDO:0009458, OMIM 242900.

Submission:

Labcorp Genetics (formerly Invitae), Labcorp
Classification: Pathogenic for Schimke immuno-osseous dysplasia. Last evaluated: 2023-01-20. Review status: criteria provided, single submitter. Criteria: Invitae Variant Classification Sherloc (09022015). Collection method: clinical testing. Allele origin: germline.
Comment: For these reasons, this variant has been classified as Pathogenic. This variant has not been reported in the literature in individuals affected with SMARCAL1-related conditions. This variant is not present in population databases (gnomAD no frequency). This sequence change creates a premature translational stop signal (p.Phe279Leufs*3) in the SMARCAL1 gene. It is expected to result in an absent or disrupted protein product. Loss-of-function variants in SMARCAL1 are known to be pathogenic (PMID: 11799392, 20301550).

Literature cited by the submitters: PubMed 11799392; PubMed 20301550.